The following is an entry in ClinVar:

NM_001370259.2(MEN1):c.1092C>A (p.Phe364Leu)

Gene: MEN1 (menin 1; minus strand). Cytogenetic location: 11q13.1.
Variant type: single nucleotide variant.
Coding change: c.1092C>A on transcript NM_001370259.2 (MANE Select); coding-DNA position 1092, C replaced by A.
Protein change: p.Phe364Leu; replaces phenylalanine 364 with leucine.
Molecular consequence: missense variant.
Genome position (GRCh38, 1-based): chr11:64,805,728, G>T on the plus strand (C>A on the coding strand, the complement: MEN1 is on the minus strand). VCF-style: chr11-64805728-G-T. GRCh37 (hg19) VCF-style: chr11-64573200-G-T.
Other names: c.1107C>A, p.Phe369Leu (NM_000244.4, NM_130800.3, NM_130801.3 and 3 more transcripts); c.1218C>A, p.Phe406Leu (NM_001370251.2); c.1092C>A, p.Phe364Leu (NM_001370260.2, NM_001370261.2, NM_130799.3); c.987C>A, p.Phe329Leu (NM_001370262.2, NM_001370263.2); short protein forms F364L, F369L, F406L, F329L.
Identifiers: ClinVar variation 216810 (VCV000216810.9), dbSNP rs863224808, ClinGen allele CA336516.

ClinVar aggregate classification (germline): Uncertain significance. Review status: criteria provided, multiple submitters, no conflicts (2 of 4 stars). 2 submissions from 2 submitters: Uncertain significance (2). Last evaluated 2025-11-27.

Conditions:
Hereditary cancer-predisposing syndrome. Also called: Tumor predisposition; Hereditary Cancer Syndrome; Neoplastic Syndromes, Hereditary; Hereditary neoplastic syndrome. Identifiers: Orphanet 140162, MedGen C0027672, MeSH D009386, MONDO:0015356.
Multiple endocrine neoplasia, type 1 (MEN1). Also called: Endocrine adenomatosis multiple; MEN 1; MEN I; WERMER SYNDROME; MEA I. Identifiers: Orphanet 652, MedGen C0025267, MeSH D018761, MONDO:0007540, OMIM 131100.

Submissions (2):

Labcorp Genetics (formerly Invitae), Labcorp
Classification: Uncertain significance for Multiple endocrine neoplasia, type 1. Last evaluated: 2025-11-27. Review status: criteria provided, single submitter. Criteria: Invitae Variant Classification Sherloc (09022015). Collection method: clinical testing. Allele origin: germline.
Comment: This sequence change replaces phenylalanine, which is neutral and non-polar, with leucine, which is neutral and non-polar, at codon 364 of the MEN1 protein (p.Phe364Leu). This variant is not present in population databases (gnomAD no frequency). This variant has not been reported in the literature in individuals affected with MEN1-related conditions. ClinVar contains an entry for this variant (Variation ID: 216810). Invitae Evidence Modeling of protein sequence and biophysical properties (such as structural, functional, and spatial information, amino acid conservation, physicochemical variation, residue mobility, and thermodynamic stability) has been performed for this missense variant. However, the output from this modeling did not meet the statistical confidence thresholds required to predict the impact of this variant on MEN1 protein function. In summary, the available evidence is currently insufficient to determine the role of this variant in disease. Therefore, it has been classified as a Variant of Uncertain Significance.

Ambry Genetics
Classification: Uncertain significance for Hereditary cancer-predisposing syndrome. Last evaluated: 2025-07-30. Review status: criteria provided, single submitter. Criteria: Ambry Variant Classification Scheme 2023. Collection method: clinical testing. Allele origin: germline.
Comment: The p.F364L variant (also known as c.1092C>A), located in coding exon 7 of the MEN1 gene, results from a C to A substitution at nucleotide position 1092. The phenylalanine at codon 364 is replaced by leucine, an amino acid with highly similar properties. This amino acid position is highly conserved in available vertebrate species. In addition, the in silico prediction for this alteration is inconclusive. Based on the available evidence, the clinical significance of this variant remains unclear.